The following is an entry in ClinVar:

NM_152743.4(BRAT1):c.1925C>A (p.Ala642Glu)

Gene: BRAT1 (BRCA1 associated ATM activator 1; minus strand). Cytogenetic location: 7p22.3.
Variant type: single nucleotide variant.
Coding change: c.1925C>A on transcript NM_152743.4 (MANE Select); coding-DNA position 1925, C replaced by A.
Protein change: p.Ala642Glu; replaces alanine 642 with glutamic acid.
Molecular consequence: missense variant. On other transcripts: non-coding transcript variant (1).
Genome position (GRCh38, 1-based): chr7:2,538,610, G>T on the plus strand (C>A on the coding strand, the complement: BRAT1 is on the minus strand). VCF-style: chr7-2538610-G-T. GRCh37 (hg19) VCF-style: chr7-2578244-G-T.
Other names: c.2105C>A, p.Ala702Glu (NM_001350626.2); c.1400C>A, p.Ala467Glu (NM_001350627.2); short protein forms A642E, A467E, A702E.
Identifiers: ClinVar variation 449963 (VCV000449963.14), dbSNP rs200502048, ClinGen allele CA4127515.

ClinVar aggregate classification (germline): Likely pathogenic. Review status: criteria provided, multiple submitters, no conflicts (2 of 4 stars). 4 submissions from 4 submitters: Likely pathogenic (3). 1 of the submissions does not count toward it. Last evaluated 2025-06-22.

Conditions:
BRAT1-related disorder. Also called: BRAT1-related condition; BRAT1-related disorders.
Neurodevelopmental disorder with cerebellar atrophy and with or without seizures. Identifiers: MedGen C4748032, MONDO:0020841, OMIM 618056.
Neonatal-onset encephalopathy with rigidity and seizures. Also called: Lethal neonatal spasticity-epileptic encephalopathy syndrome. Identifiers: Orphanet 435845, MedGen C3281029, MONDO:0013784, OMIM 614498.

Allele frequency attached by ClinVar (database versions not stated): gnomAD 0.00002; TOPMed 0.00002; gnomAD exomes 0.00004.
gnomAD v4.1: 85 of 1,585,354 alleles (0.0054%); highest among the groups gnomAD compares: Non-Finnish European, 0.0069%; no homozygotes.

Submissions (4):

Labcorp Genetics (formerly Invitae), Labcorp
Classification: Likely pathogenic for Neonatal-onset encephalopathy with rigidity and seizures. Last evaluated: 2025-06-22. Review status: criteria provided, single submitter. Criteria: Invitae Variant Classification Sherloc (09022015). Collection method: clinical testing. Allele origin: germline.
Comment: This sequence change replaces alanine, which is neutral and non-polar, with glutamic acid, which is acidic and polar, at codon 642 of the BRAT1 protein (p.Ala642Glu). This variant is present in population databases (rs200502048, gnomAD 0.009%). This missense change has been observed in individual(s) with clinical features of BRAT1-related developmental and epileptic encephalopathy (PMID: 26494257, 35620305). In at least one individual the data is consistent with being in trans (on the opposite chromosome) from a pathogenic variant. ClinVar contains an entry for this variant (Variation ID: 449963). Invitae Evidence Modeling of protein sequence and biophysical properties (such as structural, functional, and spatial information, amino acid conservation, physicochemical variation, residue mobility, and thermodynamic stability) has been performed for this missense variant. However, the output from this modeling did not meet the statistical confidence thresholds required to predict the impact of this variant on BRAT1 protein function. In summary, the currently available evidence indicates that the variant is pathogenic, but additional data are needed to prove that conclusively. Therefore, this variant has been classified as Likely Pathogenic.

GeneDx
Classification: Likely pathogenic. Last evaluated: 2024-10-02. Review status: criteria provided, single submitter. Criteria: GeneDx Variant Classification Process June 2021. Collection method: clinical testing. Allele origin: germline. Affected: yes.
Comment: Not observed at significant frequency in large population cohorts (gnomAD); In silico analysis indicates that this missense variant does not alter protein structure/function; This variant is associated with the following publications: (PMID: 30346566, 26494257, 27480663, 32345087, 36367347, 27282546, 35360849, 35620305)

Blueprint Genetics
Classification: Likely pathogenic for BRAT1-related disorders. Last evaluated: 2023-03-31. Review status: criteria provided, single submitter. Criteria: ACMG Guidelines, 2015. Collection method: clinical testing. Allele origin: germline. Affected: yes. Observed: 3 variant alleles.

OMIM
Classification: Pathogenic for NEURODEVELOPMENTAL DISORDER WITH CEREBELLAR ATROPHY AND SEIZURES. Last evaluated: 2018-08-02. Review status: no assertion criteria provided. Collection method: literature only. Allele origin: germline. Not counted in ClinVar's aggregate classification.

Literature cited by the submitters: PubMed 26494257 (cited by Labcorp Genetics (formerly Invitae), Labcorp and OMIM); PubMed 35620305 (cited by Labcorp Genetics (formerly Invitae), Labcorp).